The following is an entry in ClinVar:

ClinVar aggregate classification (germline): Likely benign. Review status: criteria provided, multiple submitters, no conflicts (2 of 4 stars). 3 submissions from 3 submitters: Likely benign (3). Last evaluated 2026-01-11.

Conditions:
Neurofibromatosis, type 2 (SWNV). Also called: BILATERAL ACOUSTIC NEUROFIBROMATOSIS; NF2-Related Schwannomatosis; SCHWANNOMATOSIS, VESTIBULAR. Identifiers: Orphanet 637, MedGen C0027832, MONDO:0007039, OMIM 101000. Disease mechanism: loss of function.
Hereditary cancer-predisposing syndrome. Also called: Tumor predisposition; Hereditary Cancer Syndrome; Hereditary neoplastic syndrome; Neoplastic Syndromes, Hereditary. Identifiers: Orphanet 140162, MedGen C0027672, MeSH D009386, MONDO:0015356.

Allele frequency attached by ClinVar (database versions not stated): TOPMed below 0.00001; gnomAD 0.00001; gnomAD exomes 0.00001; ExAC 0.00002.

Submissions (3):

Labcorp Genetics (formerly Invitae), Labcorp
Classification: Likely benign for Neurofibromatosis, type 2. Last evaluated: 2026-01-11. Review status: criteria provided, single submitter. Criteria: Invitae Variant Classification Sherloc (09022015). Collection method: clinical testing. Allele origin: germline.

All of Us Research Program, National Institutes of Health
Classification: Likely benign for Neurofibromatosis, type 2. Last evaluated: 2023-12-13. Review status: criteria provided, single submitter. Criteria: ACMG Guidelines, 2015. Collection method: clinical testing. Allele origin: germline. Inheritance: Autosomal dominant inheritance. Observed: 2 variant alleles, 2 heterozygotes.
Comment: This study involves interpretation of variants in research participants for the purpose of population health screening. Participant phenotype was not available at the time of variant classification. Additional details can be found in publication PMID: 35346344, PMCID: PMC8962531

Ambry Genetics
Classification: Likely benign for Hereditary cancer-predisposing syndrome. Last evaluated: 2022-01-28. Review status: criteria provided, single submitter. Criteria: Ambry Variant Classification Scheme 2023. Collection method: clinical testing. Allele origin: germline.

NM_000268.4(NF2):c.1017C>T (p.Leu339=)

Gene: NF2 (NF2, moesin-ezrin-radixin like (MERLIN) tumor suppressor; plus strand). Cytogenetic location: 22q12.2.
Variant type: single nucleotide variant.
Coding change: c.1017C>T on transcript NM_000268.4 (MANE Select); coding-DNA position 1017, C replaced by T.
Protein change: p.Leu339=; no amino-acid change (leucine 339 retained).
Molecular consequence: synonymous variant. On other transcripts: non-coding transcript variant (1), intron variant (1).
Genome position (GRCh38, 1-based): chr22:29,671,843, C>T. VCF-style: chr22-29671843-C-T. GRCh37 (hg19) VCF-style: chr22-30067832-C-T.
Other names: c.1017C>T, p.Leu339= (NM_016418.5, NM_181825.3, NM_181832.3); c.891C>T, p.Leu297= (NM_181828.3); c.894C>T, p.Leu298= (NM_181829.3); c.768C>T, p.Leu256= (NM_181830.3, NM_181831.3); c.448-22909C>T (NM_181833.3).
Identifiers: ClinVar variation 1142310 (VCV001142310.12), dbSNP rs756568857, ClinGen allele CA036602.
Genomic context (GRCh38, chr22:29,671,843, plus strand): 5'-CGAGCCCTGTGATTCAATGACTGTTTTTCTTCACCCCTCGCAGATGGAGCGGCAGCGCCT[C>T]GCTCGAGAGAAGCAGATGAGGGAGGAGGCTGAACGCACGAGGGATGAGTTGGAGAGGAGG-3'
Protein context (NP_000259.1, residues 329-349): KARKQMERQR[Leu339=]AREKQMREEA